The following is an entry in ClinVar:

ClinVar aggregate classification (germline): Uncertain significance (1 of 4 stars; one submission).

Submission:

Labcorp Genetics (formerly Invitae), Labcorp
Classification: Uncertain significance. Last evaluated: 2024-08-19. Review status: criteria provided, single submitter. Criteria: Invitae Variant Classification Sherloc (09022015). Collection method: clinical testing. Allele origin: germline.
Comment: This sequence change replaces threonine, which is neutral and polar, with lysine, which is basic and polar, at codon 903 of the DDX58 protein (p.Thr903Lys). Information on the frequency of this variant in the gnomAD database is not available, as this variant may be reported differently in the database. This variant has not been reported in the literature in individuals affected with DDX58-related conditions. An algorithm developed to predict the effect of missense changes on protein structure and function (PolyPhen-2) suggests that this variant is likely to be tolerated. In summary, the available evidence is currently insufficient to determine the role of this variant in disease. Therefore, it has been classified as a Variant of Uncertain Significance.

NM_014314.4(RIGI):c.2708_2709delinsAG (p.Thr903Lys)

Gene: RIGI (RNA sensor RIG-I; minus strand). Cytogenetic location: 9p21.1.
Variant type: Indel.
Coding change: c.2708_2709delinsAG on transcript NM_014314.4 (MANE Select); coding-DNA positions 2708 to 2709, CA replaced by AG.
Protein change: p.Thr903Lys; replaces threonine 903 with lysine.
Molecular consequence: missense variant.
Genome position (GRCh38, 1-based): chr9:32,457,191-32,457,192, TG replaced by CT on the plus strand (CA replaced by AG on the coding strand, the reverse complement: RIGI is on the minus strand). VCF-style: chr9-32457191-TG-CT. GRCh37 (hg19) VCF-style: chr9-32457189-TG-CT.
Other names: c.2702_2703delinsAG, p.Thr901Lys (NM_001385907.1); c.2537_2538delinsAG, p.Thr846Lys (NM_001385909.1); c.2267_2268delinsAG, p.Thr756Lys (NM_001385910.1); c.2099_2100delinsAG, p.Thr700Lys (NM_001385912.1); c.2693_2694delinsAG, p.Thr898Lys (NM_001385913.1); c.2264_2265delinsAG, p.Thr755Lys (NM_001385914.1); short protein forms T755K, T700K, T898K, T903K, T901K, T756K, T846K.
Identifiers: ClinVar variation 3696573 (VCV003696573.2).